The following is an entry in ClinVar:

ClinVar aggregate classification (germline): Uncertain significance (1 of 4 stars; one submission).

Conditions:
Intellectual developmental disorder, autosomal dominant 1. Also called: Intellectual disability, autosomal dominant 1; MBD5 Haploinsufficiency. Identifiers: Orphanet 228402, MedGen C1969562, MONDO:0007974, OMIM 156200.

Allele frequency attached by ClinVar (database versions not stated): 1000 Genomes Project 30x 0.00016; 1000 Genomes Project 0.00020; gnomAD 0.00001; gnomAD exomes below 0.00001 and 0.00002; TOPMed 0.00002; ESP Exome Variant Server 0.00015; ExAC 0.00002.
gnomAD v4.1: 5 of 1,613,484 alleles (0.00031%); highest among the groups gnomAD compares: African/African-American, 0.0067%; no homozygotes.

Submission:

Labcorp Genetics (formerly Invitae), Labcorp
Classification: Uncertain significance for Intellectual developmental disorder, autosomal dominant 1. Last evaluated: 2023-07-27. Review status: criteria provided, single submitter. Criteria: Invitae Variant Classification Sherloc (09022015). Collection method: clinical testing. Allele origin: germline.
Comment: This sequence change replaces threonine, which is neutral and polar, with alanine, which is neutral and non-polar, at codon 818 of the MBD5 protein (p.Thr818Ala). In summary, the available evidence is currently insufficient to determine the role of this variant in disease. Therefore, it has been classified as a Variant of Uncertain Significance. Advanced modeling of protein sequence and biophysical properties (such as structural, functional, and spatial information, amino acid conservation, physicochemical variation, residue mobility, and thermodynamic stability) performed at Invitae indicates that this missense variant is not expected to disrupt MBD5 protein function. ClinVar contains an entry for this variant (Variation ID: 1506512). This variant has not been reported in the literature in individuals affected with MBD5-related conditions. This variant is present in population databases (rs139911474, gnomAD 0.03%).

NM_001378120.1(MBD5):c.2452A>G (p.Thr818Ala)

Gene: MBD5 (methyl-CpG binding domain protein 5; plus strand). Cytogenetic location: 2q23.1.
Variant type: single nucleotide variant.
Coding change: c.2452A>G on transcript NM_001378120.1 (MANE Select); coding-DNA position 2452, A replaced by G.
Protein change: p.Thr818Ala; replaces threonine 818 with alanine.
Molecular consequence: missense variant.
Genome position (GRCh38, 1-based): chr2:148,470,395, A>G. VCF-style: chr2-148470395-A-G. GRCh37 (hg19) VCF-style: chr2-149227964-A-G.
Other names: c.2452A>G, p.Thr818Ala (NM_018328.5); short protein forms T818A.
Identifiers: ClinVar variation 1506512 (VCV001506512.7), dbSNP rs139911474, ClinGen allele CA1900144.